The following is an entry in ClinVar:

NM_002764.4(PRPS1):c.83G>A (p.Gly28Asp)

Gene: PRPS1 (phosphoribosyl pyrophosphate synthetase 1; plus strand). Cytogenetic location: Xq22.3.
Variant type: single nucleotide variant.
Coding change: c.83G>A on transcript NM_002764.4 (MANE Select); coding-DNA position 83, G replaced by A.
Protein change: p.Gly28Asp; replaces glycine 28 with aspartic acid.
Molecular consequence: missense variant. On other transcripts: 5 prime UTR variant (1).
Genome position (GRCh38, 1-based): chrX:107,628,711, G>A. VCF-style: chrX-107628711-G-A. GRCh37 (hg19) VCF-style: chrX-106871941-G-A.
Other names: c.-122G>A (NM_001204402.2); short protein forms G28D.
Identifiers: ClinVar variation 4836047 (VCV004836047.1).

ClinVar aggregate classification (germline): Uncertain significance (1 of 4 stars; one submission).

Conditions:
Nephrolithiasis/nephrocalcinosis. Identifiers: MedGen CN580796.

Submission:

Ambry Genetics
Classification: Uncertain significance for Nephrolithiasis/nephrocalcinosis. Last evaluated: 2026-01-12. Review status: criteria provided, single submitter. Criteria: Ambry Variant Classification Scheme 2023. Collection method: clinical testing. Allele origin: germline.
Comment: The c.83G>A (p.G28D) alteration is located in exon 1 (coding exon 1) of the PRPS1 gene. This alteration results from a G to A substitution at nucleotide position 83, causing the glycine (G) at amino acid position 28 to be replaced by an aspartic acid (D). This variant was not reported in population-based cohorts in the Genome Aggregation Database (gnomAD). Other variant(s) at the same codon, c.82G>C (p.G28R), have been identified in individual(s) with features consistent with PRPS1-related phosphoribosylpyrophosphate synthetase deficiency (Shirakawa, 2022). This amino acid position is highly conserved in available vertebrate species. This missense alteration is located in a region that has a low rate of benign missense variation (Lek, 2016; Firth, 2009). This alteration is predicted to be deleterious by in silico analysis. Based on insufficient or conflicting evidence, the clinical significance of this alteration remains unclear.

Literature cited by the submitters: PubMed 34803094.